The following is an entry in ClinVar:

NM_001204.7(BMPR2):c.521T>C (p.Met174Thr)

Gene: BMPR2 (bone morphogenetic protein receptor type 2; plus strand). Cytogenetic location: 2q33.2.
Variant type: single nucleotide variant.
Coding change: c.521T>C on transcript NM_001204.7 (MANE Select); coding-DNA position 521, T replaced by C.
Protein change: p.Met174Thr; replaces methionine 174 with threonine.
Molecular consequence: missense variant.
Genome position (GRCh38, 1-based): chr2:202,513,821, T>C. VCF-style: chr2-202513821-T-C. GRCh37 (hg19) VCF-style: chr2-203378544-T-C.
Other names: short protein forms M174T.
Identifiers: ClinVar variation 3481262 (VCV003481262.1).

ClinVar aggregate classification (germline): Uncertain significance (1 of 4 stars; one submission).

Conditions:
Inborn genetic diseases. Identifiers: MedGen C0950123, MeSH D030342.

Submission:

Ambry Genetics
Classification: Uncertain significance for Inborn genetic diseases. Last evaluated: 2024-12-04. Review status: criteria provided, single submitter. Criteria: Ambry Variant Classification Scheme 2023. Collection method: clinical testing. Allele origin: germline.
Comment: The p.M174T variant (also known as c.521T>C), located in coding exon 4 of the BMPR2 gene, results from a T to C substitution at nucleotide position 521. The methionine at codon 174 is replaced by threonine, an amino acid with similar properties. This amino acid position is conserved. In addition, the in silico prediction for this alteration is inconclusive. Based on the available evidence, the clinical significance of this variant remains unclear.